The following is an entry in ClinVar:

NM_198525.3(KIF7):c.700C>T (p.Arg234Cys)

Gene: KIF7 (kinesin family member 7; minus strand). Cytogenetic location: 15q26.1.
Variant type: single nucleotide variant.
Coding change: c.700C>T on transcript NM_198525.3 (MANE Select); coding-DNA position 700, C replaced by T.
Protein change: p.Arg234Cys; replaces arginine 234 with cysteine.
Molecular consequence: missense variant.
Genome position (GRCh38, 1-based): chr15:89,649,197, G>A on the plus strand (C>T on the coding strand, the complement: KIF7 is on the minus strand). VCF-style: chr15-89649197-G-A. GRCh37 (hg19) VCF-style: chr15-90192428-G-A.
Other names: short protein forms R234C.
Identifiers: ClinVar variation 2501305 (VCV002501305.1), dbSNP rs1302507562, ClinGen allele CA393775385.
Genomic context (GRCh38, chr15:89,649,197, plus strand): 5'-CCAGGTCCACGAAGTGGAACTTGGAGACGAGCAGCTGGCCCGGGGCGGGGCGGGGTAGGC[G>A]GCTGGGGGCGCGCCCCCGCTGCTCCAGGGTCACGGTGAAGACCGTGTGTGAGCGGCTAGA-3'
Protein context (NP_940927.2, residues 224-244): TLEQRGRAPS[Arg234Cys]LPRPAPGQLL

ClinVar aggregate classification (germline): Uncertain significance (1 of 4 stars; one submission).

Allele frequency attached by ClinVar (database versions not stated): gnomAD exomes below 0.00001.

Submission:

GeneDx
Classification: Uncertain significance. Last evaluated: 2022-11-02. Review status: criteria provided, single submitter. Criteria: GeneDx Variant Classification Process June 2021. Collection method: clinical testing. Allele origin: germline. Affected: yes.
Comment: Not observed at significant frequency in large population cohorts (gnomAD); In silico analysis supports that this missense variant has a deleterious effect on protein structure/function; Has not been previously published as pathogenic or benign to our knowledge